The following is an entry in ClinVar:

ClinVar aggregate classification (germline): Likely benign (1 of 4 stars; one submission).

Conditions:
MELAS syndrome (MELAS). Also called: Juvenile myopathy, encephalopathy, lactic acidosis, stroke. Identifiers: Orphanet 550, MedGen C0162671, MONDO:0010789, OMIM 540000.

Submission:

Wong Mito Lab, Molecular and Human Genetics, Baylor College of Medicine
Classification: Likely benign for MELAS syndrome. Last evaluated: 2019-07-12. Review status: criteria provided, single submitter. Criteria: Modified ACMG Guidelines (Unpublished). Collection method: clinical testing. Allele origin: germline.
Comment: The NC_012920.1:m.8350A>G variant in MT-TK gene is interpreted to be a Likely Benign variant based on the modified ACMG guidelines (unpublished). This variant meets the following evidence codes reported in the guidelines: BP4, BP6

Literature cited by the submitters: PubMed 31965079.

NC_012920.1(MT-TK):m.8350A>G

Gene: MT-TK (mitochondrially encoded tRNA lysine; plus strand).
Variant type: single nucleotide variant.
Genome position: chrM-8350-A-G.
Identifiers: ClinVar variation 690081 (VCV000690081.1), dbSNP rs1603221419, ClinGen allele CA913179058.